The following is an entry in ClinVar:

NM_004239.4(TRIP11):c.526C>T (p.Arg176Ter)

Gene: TRIP11 (thyroid hormone receptor interactor 11; minus strand). Cytogenetic location: 14q32.12.
Variant type: single nucleotide variant.
Coding change: c.526C>T on transcript NM_004239.4 (MANE Select); coding-DNA position 526, C replaced by T.
Protein change: p.Arg176Ter; replaces arginine 176 with a stop codon.
Molecular consequence: nonsense.
Genome position (GRCh38, 1-based): chr14:92,021,618, G>A on the plus strand (C>T on the coding strand, the complement: TRIP11 is on the minus strand). VCF-style: chr14-92021618-G-A. GRCh37 (hg19) VCF-style: chr14-92487962-G-A.
Other names: c.523C>T, p.Arg175Ter (NM_001321851.1); short protein forms R175*, R176*.
Identifiers: ClinVar variation 1338763 (VCV001338763.5), dbSNP rs758589172, ClinGen allele CA7314165.

ClinVar aggregate classification (germline): Pathogenic. Review status: criteria provided, single submitter (1 of 4 stars). 2 submissions from 2 submitters: Pathogenic (1). 1 of the submissions does not count toward it. Last evaluated 2023-09-30.

Conditions:
Achondrogenesis, type IA (ACG1A). Identifiers: Orphanet 932, Orphanet 93299, MedGen C0265273, MONDO:0008701, OMIM 200600.

Allele frequency attached by ClinVar (database versions not stated): TOPMed below 0.00001; ExAC 0.00001; gnomAD 0.00001.
gnomAD v4.1: 9 of 1,613,936 alleles (0.00056%); highest among the groups gnomAD compares: South Asian, 0.0033%; no homozygotes.

Submissions (2):

Labcorp Genetics (formerly Invitae), Labcorp
Classification: Pathogenic for Achondrogenesis, type IA. Last evaluated: 2023-09-30. Review status: criteria provided, single submitter. Criteria: Invitae Variant Classification Sherloc (09022015). Collection method: clinical testing. Allele origin: germline.
Comment: This sequence change creates a premature translational stop signal (p.Arg176*) in the TRIP11 gene. It is expected to result in an absent or disrupted protein product. Loss-of-function variants in TRIP11 are known to be pathogenic (PMID: 20089971, 23956106). This variant is present in population databases (rs758589172, gnomAD 0.007%). This variant has not been reported in the literature in individuals affected with TRIP11-related conditions. ClinVar contains an entry for this variant (Variation ID: 1338763). For these reasons, this variant has been classified as Pathogenic.

Institute of Medical Genetics and Genomics, Sir Ganga Ram Hospital
Classification: Pathogenic for Achondrogenesis, type IA. Last evaluated: 2022-01-30. Review status: no assertion criteria provided. Collection method: clinical testing. Allele origin: germline. Inheritance: Autosomal recessive inheritance. Affected: yes. Observed: 1 compound heterozygote. Not counted in ClinVar's aggregate classification.
Comment: This novel stop gain variant c.526C>T (p.R176X) is present in compound heterozygous state with another frameshift insertion variant c.1108_1109insTA (p.T370Ifs*2) in TRIP11 gene. The allele frequency is 0.0012% in gnomAD (aggregated) database. In-silico bioinformatic software predict this variant by mutation taster as Disease causing. Achondrogenesis Type 1A is an autosomal recessive disorder and can be caused by Homozygous or Compound heterozygous variants. Based on phenotypic overall and identified variant we classify this as pathogenic variant.

Literature cited by the submitters: PubMed 20089971 (cited by Labcorp Genetics (formerly Invitae), Labcorp); PubMed 23956106 (cited by Labcorp Genetics (formerly Invitae), Labcorp).